The following is an entry in ClinVar:

NM_001134363.3(RBM20):c.509C>A (p.Ala170Asp)

Gene: RBM20 (RNA binding motif protein 20; plus strand). Cytogenetic location: 10q25.2.
Variant type: single nucleotide variant.
Coding change: c.509C>A on transcript NM_001134363.3 (MANE Select); coding-DNA position 509, C replaced by A.
Protein change: p.Ala170Asp; replaces alanine 170 with aspartic acid.
Molecular consequence: missense variant.
Genome position (GRCh38, 1-based): chr10:110,781,118, C>A. VCF-style: chr10-110781118-C-A. GRCh37 (hg19) VCF-style: chr10-112540876-C-A.
Other names: short protein forms A170D.
Identifiers: ClinVar variation 2632290 (VCV002632290.1), dbSNP rs1430386333, ClinGen allele CA378380863.

ClinVar aggregate classification (germline): Uncertain significance (1 of 4 stars; one submission).

Conditions:
RBM20-related disorder. Also called: RBM20-related condition.

Allele frequency attached by ClinVar (database versions not stated): gnomAD 0.00001.
gnomAD v4.1: 2 of 1,551,834 alleles (0.00013%); highest among the groups gnomAD compares: African/African-American, 0.0014%; no homozygotes.

Submission:

PreventionGenetics, part of Exact Sciences
Classification: Uncertain significance for RBM20-related condition. Last evaluated: 2023-06-22. Review status: criteria provided, single submitter. Criteria: ACMG Guidelines, 2015. Collection method: clinical testing. Allele origin: germline.
Comment: The RBM20 c.509C>A variant is predicted to result in the amino acid substitution p.Ala170Asp. To our knowledge, this variant has not been reported in the literature or in a large population database, indicating this variant is rare. At this time, the clinical significance of this variant is uncertain due to the absence of conclusive functional and genetic evidence.